The following is an entry in ClinVar:

ClinVar aggregate classification (germline): Pathogenic (1 of 4 stars; one submission).

Conditions:
Hermansky-Pudlak syndrome 3 (HPS3). Identifiers: Orphanet 231512, Orphanet 79430, MedGen C3888001, MONDO:0013555, OMIM 614072.

Submission:

Myriad Genetics, Inc.
Classification: Pathogenic for Hermansky-Pudlak syndrome 3. Last evaluated: 2024-05-14. Review status: criteria provided, single submitter. Criteria: Myriad Autosomal Dominant, Autosomal Recessive and X-Linked Classification Criteria (2023). Collection method: clinical testing. Allele origin: unknown.
Comment: NM_032383.3(HPS3):c.612_613delAGinsTAC(L204Ffs*13) is expected to be pathogenic in the context of Hermansky-Pudlak syndrome, HPS3-related. This variant is predicted to lead to an abnormal or absent protein product due to the creation of a premature termination codon in HPS3, a gene where loss-of-function variants are known to be pathogenic. Please note: this variant was assessed in the context of healthy population screening.

NM_032383.5(HPS3):c.612_613delinsTAC (p.Leu204fs)

Gene: HPS3 (HPS3 biogenesis of lysosomal organelles complex 2 subunit 1; plus strand). Cytogenetic location: 3q24.
Variant type: Indel.
Coding change: c.612_613delinsTAC on transcript NM_032383.5 (MANE Select); coding-DNA positions 612 to 613, AG replaced by TAC.
Protein change: p.Leu204fs; shifts the reading frame from leucine 204.
Molecular consequence: frameshift variant. On other transcripts: intron variant (1).
Genome position (GRCh38, 1-based): chr3:149,140,398-149,140,399, AG replaced by TAC. VCF-style: chr3-149140398-AG-TAC. GRCh37 (hg19) VCF-style: chr3-148858185-AG-TAC.
Other names: c.218-619_218-618delinsTAC (NM_001308258.2); short protein forms L204fs.
Identifiers: ClinVar variation 5011229 (VCV005011229.1).